The following is an entry in ClinVar:

NM_018975.4(TERF2IP):c.518C>A (p.Thr173Lys)

Gene: TERF2IP (TERF2 interacting protein; plus strand). Cytogenetic location: 16q23.1.
Variant type: single nucleotide variant.
Coding change: c.518C>A on transcript NM_018975.4 (MANE Select); coding-DNA position 518, C replaced by A.
Protein change: p.Thr173Lys; replaces threonine 173 with lysine.
Molecular consequence: missense variant. On other transcripts: non-coding transcript variant (1).
Genome position (GRCh38, 1-based): chr16:75,648,400, C>A. VCF-style: chr16-75648400-C-A. GRCh37 (hg19) VCF-style: chr16-75682298-C-A.
Other names: short protein forms T173K.
Identifiers: ClinVar variation 4767865 (VCV004767865.1).

ClinVar aggregate classification (germline): Uncertain significance (1 of 4 stars; one submission).

gnomAD v4.1: 2 of 1,607,464 alleles (0.00012%); no homozygotes.

Submission:

Labcorp Genetics (formerly Invitae), Labcorp
Classification: Uncertain significance. Last evaluated: 2025-07-09. Review status: criteria provided, single submitter. Criteria: Invitae Variant Classification Sherloc (09022015). Collection method: clinical testing. Allele origin: germline.
Comment: This sequence change replaces threonine, which is neutral and polar, with lysine, which is basic and polar, at codon 173 of the TERF2IP protein (p.Thr173Lys). The frequency data for this variant in the population databases is considered unreliable, as metrics indicate poor data quality at this position in the gnomAD database. This variant has not been reported in the literature in individuals affected with TERF2IP-related conditions. An algorithm developed to predict the effect of missense changes on protein structure and function (PolyPhen-2) suggests that this variant is likely to be disruptive. In summary, the available evidence is currently insufficient to determine the role of this variant in disease. Therefore, it has been classified as a Variant of Uncertain Significance.